The following is an entry in ClinVar:

ClinVar aggregate classification (germline): Pathogenic (1 of 4 stars; one submission).

Allele frequency attached by ClinVar (database versions not stated): gnomAD exomes below 0.00001; gnomAD 0.00001; TOPMed 0.00002.
gnomAD v4.1: 2 of 1,613,414 alleles (0.00012%); highest among the groups gnomAD compares: Admixed American, 0.0033%; no homozygotes.

Submission:

Labcorp Genetics (formerly Invitae), Labcorp
Classification: Pathogenic. Last evaluated: 2020-02-03. Review status: criteria provided, single submitter. Criteria: Invitae Variant Classification Sherloc (09022015). Collection method: clinical testing. Allele origin: germline.
Comment: Loss-of-function variants in ERCC8 are known to be pathogenic (PMID: 19894250, 21108394). For these reasons, this variant has been classified as Pathogenic. This sequence change creates a premature translational stop signal (p.Trp272*) in the ERCC8 gene. It is expected to result in an absent or disrupted protein product. This variant is not present in population databases (ExAC no frequency). This variant has not been reported in the literature in individuals with ERCC8-related conditions.

Literature cited by the submitters: PubMed 19894250; PubMed 21108394.

NM_000082.4(ERCC8):c.816G>A (p.Trp272Ter)

Gene: ERCC8 (ERCC excision repair 8, CSA ubiquitin ligase complex subunit; minus strand). Cytogenetic location: 5q12.1.
Variant type: single nucleotide variant.
Coding change: c.816G>A on transcript NM_000082.4 (MANE Select); coding-DNA position 816, G replaced by A.
Protein change: p.Trp272Ter; replaces tryptophan 272 with a stop codon.
Molecular consequence: nonsense.
Genome position (GRCh38, 1-based): chr5:60,898,303, C>T on the plus strand (G>A on the coding strand, the complement: ERCC8 is on the minus strand). VCF-style: chr5-60898303-C-T. GRCh37 (hg19) VCF-style: chr5-60194130-C-T.
Other names: c.642G>A, p.Trp214Ter (NM_001007233.3); c.357G>A, p.Trp119Ter (NM_001290285.2); short protein forms W119*, W214*, W272*.
Identifiers: ClinVar variation 1075667 (VCV001075667.7), dbSNP rs1198513897, ClinGen allele CA359824878.